The following is an entry in ClinVar:

NM_001277115.2(DNAH11):c.9935A>T (p.Asp3312Val)

Gene: DNAH11 (dynein axonemal heavy chain 11; plus strand). Cytogenetic location: 7p15.3.
Variant type: single nucleotide variant.
Coding change: c.9935A>T on transcript NM_001277115.2 (MANE Select); coding-DNA position 9935, A replaced by T.
Protein change: p.Asp3312Val; replaces aspartic acid 3312 with valine.
Molecular consequence: missense variant.
Genome position (GRCh38, 1-based): chr7:21,789,251, A>T. VCF-style: chr7-21789251-A-T. GRCh37 (hg19) VCF-style: chr7-21828869-A-T.
Other names: short protein forms D3312V.
Identifiers: ClinVar variation 163118 (VCV000163118.63), dbSNP rs72657389, ClinGen allele CA175743.

ClinVar aggregate classification (germline): Conflicting classifications of pathogenicity. Review status: criteria provided, conflicting classifications (1 of 4 stars). 9 submissions from 9 submitters: Uncertain significance (1); Benign (2); Likely benign (6). Last evaluated 2026-08-01.

Conditions:
Primary ciliary dyskinesia. Also called: Ciliary dyskinesia. Identifiers: Orphanet 244, MedGen C0008780, MONDO:0016575, HP:0012265.
Primary ciliary dyskinesia 7. Also called: CILIARY DYSKINESIA, PRIMARY, 7, WITH OR WITHOUT SITUS INVERSUS. Identifiers: Orphanet 244, MedGen C2678473, MONDO:0012748, OMIM 611884.

Allele frequency attached by ClinVar (database versions not stated): TOPMed 0.00250; 1000 Genomes Project 0.00260; 1000 Genomes Project 30x 0.00281; ESP Exome Variant Server 0.00283; gnomAD 0.00307 and 0.00313; gnomAD exomes 0.00331 and 0.00362; ExAC 0.00564.
gnomAD v4.1: 5,159 of 1,569,876 alleles (0.33%); highest among the groups gnomAD compares: Middle Eastern, 0.4%; 14 homozygotes.

Submissions (9):

CeGaT Center for Human Genetics Tuebingen
Classification: Likely benign. Last evaluated: 2026-08-01. Review status: criteria provided, single submitter. Criteria: CeGaT Center For Human Genetics Tuebingen Variant Classification Criteria Version 2. Collection method: clinical testing. Allele origin: germline. Affected: yes. Observed: 14 variant alleles.
Comment: DNAH11: BP4, BS2

Labcorp Genetics (formerly Invitae), Labcorp
Classification: Benign for Primary ciliary dyskinesia. Last evaluated: 2026-01-29. Review status: criteria provided, single submitter. Criteria: Invitae Variant Classification Sherloc (09022015). Collection method: clinical testing. Allele origin: germline.

Mayo Clinic Laboratories, Mayo Clinic
Classification: Likely benign. Last evaluated: 2025-01-28. Review status: criteria provided, single submitter. Criteria: ACMG Guidelines, 2015. Collection method: clinical testing. Allele origin: germline. Observed: 2 variant alleles.
Comment: BS1

Blueprint Genetics
Classification: Likely benign. Last evaluated: 2024-11-27. Review status: criteria provided, single submitter. Criteria: ACMG Guidelines, 2015. Collection method: clinical testing. Allele origin: germline.

GeneDx
Classification: Uncertain significance. Last evaluated: 2024-03-21. Review status: criteria provided, single submitter. Criteria: GeneDx Variant Classification Process June 2021. Collection method: clinical testing. Allele origin: germline. Affected: yes.
Comment: Has been previously reported as a likely benign and benign variant (PMID: 30819905, 22184204); In silico analysis supports that this missense variant has a deleterious effect on protein structure/function; This variant is associated with the following publications: (PMID: 22184204, 33111339, 30819905)

ARUP Laboratories, Molecular Genetics and Genomics, ARUP Laboratories
Classification: Likely benign for Primary ciliary dyskinesia 7. Last evaluated: 2022-10-21. Review status: criteria provided, single submitter. Criteria: ARUP Molecular Germline Variant Investigation Process 2021. Collection method: clinical testing. Allele origin: germline.

Illumina Laboratory Services, Illumina
Classification: Likely benign for Primary ciliary dyskinesia 7. Last evaluated: 2018-01-12. Review status: criteria provided, single submitter. Criteria: ICSL Variant Classification Criteria 13 December 2019. Collection method: clinical testing. Allele origin: germline.
Comment: This variant was observed in the ICSL laboratory as part of a predisposition screen in an ostensibly healthy population. It had not been previously curated by ICSL or reported in the Human Gene Mutation Database (HGMD: prior to June 1st, 2018), and was therefore a candidate for classification through an automated scoring system. Utilizing variant allele frequency, disease prevalence and penetrance estimates, and inheritance mode, an automated score was calculated to assess if this variant is too frequent to cause the disease. Based on the score and internal cut-off values, a variant classified as likely benign is not then subjected to further curation. The score for this variant resulted in a classification of likely benign for this disease.

Laboratory for Molecular Medicine, Mass General Brigham Personalized Medicine
Classification: Likely benign. Last evaluated: 2015-09-30. Review status: criteria provided, single submitter. Criteria: LMM Criteria. Collection method: clinical testing. Allele origin: germline. Observed: 3 variant alleles.
Comment: p.Asp3312Val in exon 61 of DNAH11: This variant is not expected to have clinical significance because it has been identified in 0.7% (88/12864) of European chro mosomes, including 1 homozygote by the Exome Aggregation Consortium (ExAC; dbSNP rs72657389).

PreventionGenetics, part of Exact Sciences
Classification: Benign. Review status: criteria provided, single submitter. Criteria: ACMG Guidelines, 2015. Collection method: clinical testing. Allele origin: germline.

Literature cited by the submitters: PubMed 33111339 (cited by Mayo Clinic Laboratories, Mayo Clinic).